The following is an entry in ClinVar:

ClinVar aggregate classification (germline): Uncertain significance (1 of 4 stars; one submission).

Conditions:
Sulfite oxidase deficiency due to molybdenum cofactor deficiency type C. Also called: Molybdenum cofactor deficiency, complementation group C; Molybdenum cofactor deficiency C. Identifiers: Orphanet 308400, Orphanet 833, MedGen C1854990, MONDO:0014212, OMIM 615501.

Submission:

Labcorp Genetics (formerly Invitae), Labcorp
Classification: Uncertain significance for Sulfite oxidase deficiency due to molybdenum cofactor deficiency type C. Last evaluated: 2023-06-22. Review status: criteria provided, single submitter. Criteria: Invitae Variant Classification Sherloc (09022015). Collection method: clinical testing. Allele origin: germline.
Comment: In summary, the available evidence is currently insufficient to determine the role of this variant in disease. Therefore, it has been classified as a Variant of Uncertain Significance. Advanced modeling of protein sequence and biophysical properties (such as structural, functional, and spatial information, amino acid conservation, physicochemical variation, residue mobility, and thermodynamic stability) performed at Invitae indicates that this missense variant is expected to disrupt GPHN protein function. This variant has not been reported in the literature in individuals affected with GPHN-related conditions. This variant is not present in population databases (gnomAD no frequency). This sequence change replaces glycine, which is neutral and non-polar, with valine, which is neutral and non-polar, at codon 494 of the GPHN protein (p.Gly494Val).

NM_020806.5(GPHN):c.1481G>T (p.Gly494Val)

Gene: GPHN (gephyrin; plus strand). Cytogenetic location: 14q23.3.
Variant type: single nucleotide variant.
Coding change: c.1481G>T on transcript NM_020806.5 (MANE Select); coding-DNA position 1481, G replaced by T.
Protein change: p.Gly494Val; replaces glycine 494 with valine.
Molecular consequence: missense variant.
Genome position (GRCh38, 1-based): chr14:67,113,026, G>T. VCF-style: chr14-67113026-G-T. GRCh37 (hg19) VCF-style: chr14-67579743-G-T.
Other names: c.1382G>T, p.Gly461Val (NM_001024218.2); c.1541G>T, p.Gly514Val (NM_001377514.1); c.1511G>T, p.Gly504Val (NM_001377515.1); c.1502G>T, p.Gly501Val (NM_001377516.1); c.1454G>T, p.Gly485Val (NM_001377517.1); c.1439G>T, p.Gly480Val (NM_001377518.1); c.1421G>T, p.Gly474Val (NM_001377519.1); short protein forms G461V, G480V, G514V, G485V, G494V, G501V, G504V, G474V.
Identifiers: ClinVar variation 2867064 (VCV002867064.3), dbSNP rs2543402502, ClinGen allele CA390258469.
Genomic context (GRCh38, chr14:67,113,026, plus strand): 5'-AGAAAATGTTGTTCTCTAATCACACTGCTTATGGTTCTGCTTTGACTTTCAGACCCATCG[G>T]CCATGACATTAAAAGAGGGGAATGTGTTTTGGCCAAAGGAACCCACATGGGCCCCTCAGA-3'
Protein context (NP_065857.1, residues 484-504): ARPGQDIRPI[Gly494Val]HDIKRGECVL